The following is an entry in ClinVar:

ClinVar aggregate classification (germline): Uncertain significance (1 of 4 stars; one submission).

Submission:

Labcorp Genetics (formerly Invitae), Labcorp
Classification: Uncertain significance. Last evaluated: 2023-11-28. Review status: criteria provided, single submitter. Criteria: Invitae Variant Classification Sherloc (09022015). Collection method: clinical testing. Allele origin: germline.
Comment: This variant, c.2673_2690dup, results in the insertion of 6 amino acid(s) of the RAI1 protein (p.Ser892_Leu897dup), but otherwise preserves the integrity of the reading frame. This variant is present in population databases (rs754641170, gnomAD 0.07%), including at least one homozygous and/or hemizygous individual. This variant has not been reported in the literature in individuals affected with RAI1-related conditions. ClinVar contains an entry for this variant (Variation ID: 2162381). In summary, the available evidence is currently insufficient to determine the role of this variant in disease. Therefore, it has been classified as a Variant of Uncertain Significance.

NM_030665.4(RAI1):c.2673_2690dup (p.Leu897_Ile898insSerProLysAlaProLeu)

Gene: RAI1 (retinoic acid induced 1; plus strand). Cytogenetic location: 17p11.2.
Variant type: Duplication.
Coding change: c.2673_2690dup on transcript NM_030665.4 (MANE Select); coding-DNA positions 2673 to 2690, 18 bases duplicated (GTCACCCAAGGCCCCACT).
Protein change: p.Leu897_Ile898insSerProLysAlaProLeu.
Molecular consequence: inframe insertion.
Genome position (GRCh38, 1-based): chr17:17,795,621-17,795,638, GTCACCCAAGGCCCCACT duplicated; duplicating any 18 consecutive bases within chr17:17,795,619-17,795,638 gives the same sequence; the c. name uses the placement nearest the transcript's 3' end. VCF-style (leftmost placement, unchanged base first): chr17-17795618-G-GCTGTCACCCAAGGCCCCA. GRCh37 (hg19) VCF-style: chr17-17698932-G-GCTGTCACCCAAGGCCCCA.
Identifiers: ClinVar variation 2162381 (VCV002162381.4), dbSNP rs754641170, ClinGen allele CA8418578.